The following is an entry in ClinVar:

NM_020937.4(FANCM):c.85A>G (p.Thr29Ala)

Genes: FANCM (FA complementation group M; plus strand), LOC130055524 (ATAC-STARR-seq lymphoblastoid active region 8299; plus strand). Cytogenetic location: 14q21.2.
Variant type: single nucleotide variant.
Coding change: c.85A>G on transcript NM_020937.4 (MANE Select); coding-DNA position 85, A replaced by G.
Protein change: p.Thr29Ala; replaces threonine 29 with alanine.
Molecular consequence: missense variant.
Genome position (GRCh38, 1-based): chr14:45,136,116, A>G. VCF-style: chr14-45136116-A-G. GRCh37 (hg19) VCF-style: chr14-45605319-A-G.
Other names: c.85A>G, p.Thr29Ala (NM_001308133.2, NM_001308134.2); short protein forms T29A.
Identifiers: ClinVar variation 5036601 (VCV005036601.1).

ClinVar aggregate classification (germline): Uncertain significance (1 of 4 stars; one submission).

Conditions:
Inborn genetic diseases. Identifiers: MedGen C0950123, MeSH D030342.

Submission:

Ambry Genetics
Classification: Uncertain significance for Inborn genetic diseases. Last evaluated: 2026-07-09. Review status: criteria provided, single submitter. Criteria: Ambry Variant Classification Scheme 2023. Collection method: clinical testing. Allele origin: germline.
Comment: The p.T29A variant (also known as c.85A>G), located in coding exon 1 of the FANCM gene, results from an A to G substitution at nucleotide position 85. The threonine at codon 29 is replaced by alanine, an amino acid with similar properties. This amino acid position is conserved. In addition, this alteration is predicted to be tolerated by in silico analysis. Based on the available evidence, the clinical significance of this variant remains unclear.